The following is an entry in ClinVar:

NM_152419.3(HGSNAT):c.1464+1G>A

Gene: HGSNAT (heparan-alpha-glucosaminide N-acetyltransferase; plus strand). Cytogenetic location: 8p11.21.
Variant type: single nucleotide variant.
Coding change: c.1464+1G>A on transcript NM_152419.3 (MANE Select); the canonical splice donor site of the intron after coding-DNA position 1464, G replaced by A.
Molecular consequence: splice donor variant.
Genome position (GRCh38, 1-based): chr8:43,193,844, G>A. VCF-style: chr8-43193844-G-A. GRCh37 (hg19) VCF-style: chr8-43048987-G-A.
Other names: c.1464+1G>A (NM_001363227.2); c.600+1G>A (NM_001363229.2); c.1272+1G>A (NM_001363228.2).
Identifiers: ClinVar variation 96502 (VCV000096502.22), dbSNP rs398124545, ClinGen allele CA224187.

ClinVar aggregate classification (germline): Pathogenic/Likely pathogenic. Review status: criteria provided, multiple submitters, no conflicts (2 of 4 stars). 8 submissions from 8 submitters: Pathogenic (4); Likely pathogenic (3). 1 of the submissions does not count toward it. Last evaluated 2026-08-27.

Conditions:
Retinitis pigmentosa 73 (RP73). Identifiers: Orphanet 791, MedGen C4225287, MONDO:0014687, OMIM 616544.
Mucopolysaccharidosis, MPS-III-C (MPS3C). Also called: Mucopolysaccharidosis type IIIC (Sanfilippo C); SANFILIPPO SYNDROME C; MUCOPOLYSACCHARIDOSIS, TYPE IIIC; mucopolysaccharidosis type 3C; MPS IIIC (Sanfilippo Syndrome Type C); MPS III C. Identifiers: Orphanet 581, Orphanet 79271, MedGen C0086649, MONDO:0009657, OMIM 252930.

Allele frequency attached by ClinVar (database versions not stated): ExAC 0.00001; gnomAD exomes 0.00002 and 0.00001.
gnomAD v4.1: 29 of 1,613,218 alleles (0.0018%); highest among the groups gnomAD compares: Non-Finnish European, 0.0024%; no homozygotes.

Submissions (8):

GeneDx
Classification: Likely pathogenic. Last evaluated: 2026-08-27. Review status: criteria provided, single submitter. Criteria: GeneDx Variant Classification Process June 2021. Collection method: clinical testing. Allele origin: germline.
Comment: Reported with a hypomorphic HGSNAT variant in a patient with retinitis pigmentosa in published literature, but it is not known whether the variants occurred on the same (in cis) or on different (in trans) chromosomes (PMID: 28981474); Canonical splice site variant predicted to result in an in-frame loss of the adjacent exon in a gene for which loss of function is a known mechanism of disease; Not observed at significant frequency in large population cohorts (gnomAD); This variant is associated with the following publications: (PMID: 25525159, 31964843, 28981474, 17397050, 34047372, 41590221, 42351339)

Natera, Inc.
Classification: Likely pathogenic for Mucopolysaccharidosis type IIIC. Last evaluated: 2025-12-11. Review status: criteria provided, single submitter. Criteria: Natera Variant Classification Schema (03/2026). Collection method: clinical testing. Allele origin: germline.
Comment: The c.1464+1G>A variant in HGSNAT is a canonical splice donor site variant predicted to affect pre-mRNA splicing, which may result in an abnormal transcript and altered protein product. This variant is expected to result in nonsense mediated decay, truncation, or a dysfunctional protein product. This variant is rare in the general population with a frequency below the threshold expected for the associated phenotype(s). This variant has been observed in one or more individuals affected with the associated recessive disease, as either homozygous or compound heterozygous with a second variant (PMID: 17397050, 28468868). Given the available evidence, this variant is classified as Likely Pathogenic.

Labcorp Genetics (formerly Invitae), Labcorp
Classification: Pathogenic for Retinitis pigmentosa 73; Mucopolysaccharidosis, MPS-III-C. Last evaluated: 2025-03-17. Review status: criteria provided, single submitter. Criteria: Invitae Variant Classification Sherloc (09022015). Collection method: clinical testing. Allele origin: germline.
Comment: This sequence change affects a donor splice site in intron 14 of the HGSNAT gene. It is expected to disrupt RNA splicing. Variants that disrupt the donor or acceptor splice site typically lead to a loss of protein function (PMID: 16199547), and loss-of-function variants in HGSNAT are known to be pathogenic (PMID: 17033958, 19479962, 25859010). This variant is present in population databases (rs398124545, gnomAD 0.002%). Disruption of this splice site has been observed in individuals with mucopolysaccharidosis type IIIC (PMID: 17397050, 28981474). ClinVar contains an entry for this variant (Variation ID: 96502). Algorithms developed to predict the effect of sequence changes on RNA splicing suggest that this variant may disrupt the consensus splice site. For these reasons, this variant has been classified as Pathogenic.

Revvity Omics, Revvity
Classification: Pathogenic. Last evaluated: 2025-01-17. Review status: criteria provided, single submitter. Criteria: ACMG Guidelines, 2015. Collection method: clinical testing. Allele origin: germline.

Department of Pathology and Laboratory Medicine, Sinai Health System
Classification: Pathogenic for mucopolysaccharidosis type 3C. Last evaluated: 2022-05-12. Review status: criteria provided, single submitter. Criteria: ACMG Guidelines, 2015. Collection method: research. Allele origin: germline.

Fulgent Genetics
Classification: Likely pathogenic for Mucopolysaccharidosis, MPS-III-C; Retinitis pigmentosa 73. Last evaluated: 2022-01-11. Review status: criteria provided, single submitter. Criteria: ACMG Guidelines, 2015. Collection method: clinical testing. Allele origin: unknown.

Eurofins Ntd Llc (ga)
Classification: Pathogenic. Last evaluated: 2013-06-18. Review status: criteria provided, single submitter. Criteria: EGL Classification Definitions 2015. Collection method: clinical testing. Allele origin: germline. Observed: 2 variant alleles, 2 heterozygotes.

Counsyl
Classification: Likely pathogenic for Mucopolysaccharidosis, MPS-III-C. Last evaluated: 2017-12-21. Review status: no assertion criteria provided. Collection method: clinical testing. Allele origin: unknown. Not counted in ClinVar's aggregate classification.

Literature cited by the submitters: PubMed 17397050 (cited by 3 submitters); PubMed 28468868 (cited by Natera, Inc.); PubMed 16199547 (cited by Labcorp Genetics (formerly Invitae), Labcorp); PubMed 17033958 (cited by Labcorp Genetics (formerly Invitae), Labcorp); PubMed 19479962 (cited by Labcorp Genetics (formerly Invitae), Labcorp); PubMed 25859010 (cited by Labcorp Genetics (formerly Invitae), Labcorp); PubMed 28981474 (cited by Labcorp Genetics (formerly Invitae), Labcorp).